The following is an entry in ClinVar:

ClinVar aggregate classification (germline): Pathogenic (1 of 4 stars; one submission).

Conditions:
Legius syndrome. Identifiers: Orphanet 137605, MedGen C1969623, MONDO:0012669, OMIM 611431. Disease mechanism: loss of function.

Submission:

Labcorp Genetics (formerly Invitae), Labcorp
Classification: Pathogenic for Legius syndrome. Last evaluated: 2025-02-12. Review status: criteria provided, single submitter. Criteria: Invitae Variant Classification Sherloc (09022015). Collection method: clinical testing. Allele origin: germline.
Comment: This sequence change creates a premature translational stop signal (p.Ile60Tyrfs*18) in the SPRED1 gene. It is expected to result in an absent or disrupted protein product. Loss-of-function variants in SPRED1 are known to be pathogenic (PMID: 17704776). This variant is not present in population databases (gnomAD no frequency). This premature translational stop signal has been observed in individual(s) with Legius syndrome (PMID: 27081556). It has also been observed to segregate with disease in related individuals. ClinVar contains an entry for this variant (Variation ID: 955012). For these reasons, this variant has been classified as Pathogenic.

Literature cited by the submitters: PubMed 17704776; PubMed 27081556.

NM_152594.3(SPRED1):c.177dup (p.Ile60fs)

Gene: SPRED1 (sprouty related EVH1 domain containing 1; plus strand). Cytogenetic location: 15q14.
Variant type: Duplication.
Coding change: c.177dup on transcript NM_152594.3 (MANE Select); coding-DNA position 177, one base duplicated (T; older notation c.177dupT).
Protein change: p.Ile60fs; shifts the reading frame from isoleucine 60.
Molecular consequence: frameshift variant.
Genome position (GRCh38, 1-based): chr15:38,299,517, T duplicated; the last of 6 consecutive T bases (chr15:38,299,512-38,299,517); duplicating any one gives the same sequence. VCF-style (leftmost placement, unchanged base first): chr15-38299511-C-CT. GRCh37 (hg19) VCF-style: chr15-38591712-C-CT.
Other names: short protein forms I60fs.
Identifiers: ClinVar variation 955012 (VCV000955012.10), dbSNP rs1895110802, ClinGen allele CA1139663842.
Genomic context (GRCh38, chr15:38,299,511, plus strand): 5'-TGGACTAAGCAGCGTCACTGTCTTCAAAGTCCCTCATCAGGAAGAGAATGGCTGTGCTGA[C>CT]TTTTTTATCCGTGGAGAGCGACTCAGGGACAAAATGGTAATGAATAATGTATCTAATACT-3'